The following is an entry in ClinVar:

ClinVar aggregate classification (germline): Uncertain significance (1 of 4 stars; one submission).

Conditions:
Neuromuscular disease caused by qualitative or quantitative defects of dysferlin. Also called: Dysferlinopathy; Qualitative or quantitative defects of dysferlin. Identifiers: Orphanet 207073, MedGen C2931687, MONDO:0016145.

Allele frequency attached by ClinVar (database versions not stated): TOPMed below 0.00001; gnomAD exomes 0.00001.
gnomAD v4.1: 3 of 1,614,018 alleles (0.00019%); highest among the groups gnomAD compares: Non-Finnish European, 0.00025%; no homozygotes.

Submission:

Labcorp Genetics (formerly Invitae), Labcorp
Classification: Uncertain significance for Neuromuscular disease caused by qualitative or quantitative defects of dysferlin. Last evaluated: 2021-12-25. Review status: criteria provided, single submitter. Criteria: Invitae Variant Classification Sherloc (09022015). Collection method: clinical testing. Allele origin: germline.
Comment: This sequence change replaces lysine, which is basic and polar, with glutamic acid, which is acidic and polar, at codon 1937 of the DYSF protein (p.Lys1937Glu). This variant is not present in population databases (gnomAD no frequency). This variant has not been reported in the literature in individuals affected with DYSF-related conditions. Advanced modeling of protein sequence and biophysical properties (such as structural, functional, and spatial information, amino acid conservation, physicochemical variation, residue mobility, and thermodynamic stability) performed at Invitae indicates that this missense variant is not expected to disrupt DYSF protein function. In summary, the available evidence is currently insufficient to determine the role of this variant in disease. Therefore, it has been classified as a Variant of Uncertain Significance.

NM_001130987.2(DYSF):c.5926A>G (p.Lys1976Glu)

Gene: DYSF (dysferlin; plus strand). Cytogenetic location: 2p13.2.
Variant type: single nucleotide variant.
Coding change: c.5926A>G on transcript NM_001130987.2 (MANE Select); coding-DNA position 5926, A replaced by G.
Protein change: p.Lys1976Glu; replaces lysine 1976 with glutamic acid.
Molecular consequence: missense variant.
Genome position (GRCh38, 1-based): chr2:71,679,098, A>G. VCF-style: chr2-71679098-A-G. GRCh37 (hg19) VCF-style: chr2-71906228-A-G.
Other names: c.5812A>G, p.Lys1938Glu (NM_001130455.2); c.5767A>G, p.Lys1923Glu (NM_001130976.2); c.5830A>G, p.Lys1944Glu (NM_001130977.2); c.5872A>G, p.Lys1958Glu (NM_001130978.2); c.5902A>G, p.Lys1968Glu (NM_001130979.2); c.5860A>G, p.Lys1954Glu (NM_001130980.2); c.5923A>G, p.Lys1975Glu (NM_001130981.2); c.5905A>G, p.Lys1969Glu (NM_001130982.2); and 5 more; short protein forms K1923E, K1944E, K1954E, K1959E, K1938E, K1955E, K1958E, K1968E.
Identifiers: ClinVar variation 2201500 (VCV002201500.1), dbSNP rs2095263224, ClinGen allele CA347226297.